The following is an entry in ClinVar:

ClinVar aggregate classification (germline): Likely pathogenic (1 of 4 stars; one submission).

Conditions:
Nemaline myopathy 2 (NEM2). Also called: Nemaline myopathy 2, autosomal recessive. Identifiers: MedGen C1850569, MONDO:0009725, OMIM 256030.

Submission:

Myriad Genetics, Inc.
Classification: Likely pathogenic for Nemaline myopathy 2. Last evaluated: 2022-02-02. Review status: criteria provided, single submitter. Criteria: Myriad Women's Health Autosomal Recessive and X-Linked Classification Criteria (2021). Collection method: clinical testing. Allele origin: unknown.
Comment: NM_001271208.1(NEB):c.4515C>A(Y1505*) is expected to be pathogenic in the context of NEB-related nemaline myopathy. This variant is predicted to lead to an abnormal or absent protein product due to the creation of a premature termination codon in NEB, a gene where loss-of-function variants are known to be pathogenic. Please note: this variant was assessed in the context of healthy population screening.

NM_001164508.2(NEB):c.4515C>A (p.Tyr1505Ter)

Gene: NEB (nebulin; minus strand). Cytogenetic location: 2q23.3.
Variant type: single nucleotide variant.
Coding change: c.4515C>A on transcript NM_001164508.2 (MANE Select); coding-DNA position 4515, C replaced by A.
Protein change: p.Tyr1505Ter; replaces tyrosine 1505 with a stop codon.
Molecular consequence: nonsense.
Genome position (GRCh38, 1-based): chr2:151,669,123, G>T on the plus strand (C>A on the coding strand, the complement: NEB is on the minus strand). VCF-style: chr2-151669123-G-T. GRCh37 (hg19) VCF-style: chr2-152525637-G-T.
Other names: c.4515C>A, p.Tyr1505Ter (NM_001164507.2, NM_001271208.2, NM_004543.5); short protein forms Y1505*.
Identifiers: ClinVar variation 1724258 (VCV001724258.2), dbSNP rs2552259351, ClinGen allele CA348815148.